The following is an entry in ClinVar:

ClinVar aggregate classification (germline): Uncertain significance (1 of 4 stars; one submission).

gnomAD v4.1: 42 of 1,550,492 alleles (0.0027%); highest among the groups gnomAD compares: East Asian, 0.0049%; no homozygotes.

Submission:

GeneDx
Classification: Uncertain significance. Last evaluated: 2023-11-01. Review status: criteria provided, single submitter. Criteria: GeneDx Variant Classification Process June 2021. Collection method: clinical testing. Allele origin: germline. Affected: yes.
Comment: In silico analysis supports that this missense variant does not alter protein structure/function; Has not been previously published as pathogenic or benign to our knowledge

NM_001145026.2(PTPRQ):c.2035G>A (p.Ala679Thr)

Gene: PTPRQ (protein tyrosine phosphatase receptor type Q; plus strand). Cytogenetic location: 12q21.31.
Variant type: single nucleotide variant.
Coding change: c.2035G>A on transcript NM_001145026.2 (MANE Select); coding-DNA position 2035, G replaced by A.
Protein change: p.Ala679Thr; replaces alanine 679 with threonine.
Molecular consequence: missense variant.
Genome position (GRCh38, 1-based): chr12:80,496,294, G>A. VCF-style: chr12-80496294-G-A. GRCh37 (hg19) VCF-style: chr12-80890073-G-A.
Other names: short protein forms A679T.
Identifiers: ClinVar variation 3340958 (VCV003340958.1).